The following is an entry in ClinVar:

ClinVar aggregate classification (germline): Benign/Likely benign. Review status: criteria provided, multiple submitters, no conflicts (2 of 4 stars). 3 submissions from 3 submitters: Benign (1); Likely benign (1). 1 of the submissions does not count toward it. Last evaluated 2026-02-02.

Conditions:
UNC13D-related disorder. Also called: UNC13D-related condition.
Familial hemophagocytic lymphohistiocytosis 3 (FHL3). Also called: UNC13D-Related Familial Hemophagocytic Lymphohistiocytosis (UNC13D-fHLH). Identifiers: Orphanet 540, MedGen C1837174, MONDO:0012146, OMIM 608898.

Allele frequency attached by ClinVar (database versions not stated): ESP Exome Variant Server 0.00193; gnomAD 0.00199; TOPMed 0.00217; 1000 Genomes Project 30x 0.00265; 1000 Genomes Project 0.00300.
gnomAD v4.1: 544 of 1,583,038 alleles (0.034%); highest among the groups gnomAD compares: African/African-American, 0.67%; 3 homozygotes.

Submissions (3):

Labcorp Genetics (formerly Invitae), Labcorp
Classification: Benign for Familial hemophagocytic lymphohistiocytosis 3. Last evaluated: 2026-02-02. Review status: criteria provided, single submitter. Criteria: Invitae Variant Classification Sherloc (09022015). Collection method: clinical testing. Allele origin: germline.

Blueprint Genetics
Classification: Likely benign. Last evaluated: 2023-12-11. Review status: criteria provided, single submitter. Criteria: ACMG Guidelines, 2015. Collection method: clinical testing. Allele origin: germline.

PreventionGenetics, part of Exact Sciences
Classification: Likely benign for UNC13D-related condition. Last evaluated: 2021-11-18. Review status: no assertion criteria provided. Collection method: clinical testing. Allele origin: germline. Not counted in ClinVar's aggregate classification.
Comment: This variant is classified as likely benign based on ACMG/AMP sequence variant interpretation guidelines (Richards et al. 2015 PMID: 25741868, with internal and published modifications).

NM_199242.3(UNC13D):c.2831-20A>T

Genes: UNC13D (unc-13 homolog D; minus strand), LOC112533672 (Sharpr-MPRA regulatory region 1193; plus strand). Cytogenetic location: 17q25.1.
Variant type: single nucleotide variant.
Coding change: c.2831-20A>T on transcript NM_199242.3 (MANE Select); 20 bases into the intron before coding-DNA position 2831, A replaced by T.
Molecular consequence: intron variant.
Genome position (GRCh38, 1-based): chr17:75,830,171, T>A on the plus strand (A>T on the coding strand, the complement: UNC13D is on the minus strand). VCF-style: chr17-75830171-T-A. GRCh37 (hg19) VCF-style: chr17-73826252-T-A.
Other names: c.2831-20A>T (NM_199242.2).
Identifiers: ClinVar variation 1167296 (VCV001167296.12), dbSNP rs149809768, ClinGen allele CA8772362.